The following is an entry in ClinVar:

NM_001040436.3(YARS2):c.842del (p.Lys281fs)

Gene: YARS2 (tyrosyl-tRNA synthetase 2; minus strand). Cytogenetic location: 12p11.21.
Variant type: Deletion.
Coding change: c.842del on transcript NM_001040436.3 (MANE Select); coding-DNA position 842, one base deleted (A; older notation c.842delA).
Protein change: p.Lys281fs; shifts the reading frame from lysine 281.
Molecular consequence: frameshift variant.
Genome position (GRCh38, 1-based): chr12:32,754,023, T deleted on the plus strand (A on the coding strand, the reverse complement: YARS2 is on the minus strand); the first of 3 consecutive T bases (chr12:32,754,023-32,754,025); deleting any one gives the same sequence. VCF-style (leftmost placement, unchanged base first): chr12-32754022-CT-C. GRCh37 (hg19) VCF-style: chr12-32906956-CT-C.
Other names: short protein forms K281fs.
Identifiers: ClinVar variation 423483 (VCV000423483.8), dbSNP rs768344665, ClinGen allele CA6508080.

ClinVar aggregate classification (germline): Pathogenic/Likely pathogenic. Review status: criteria provided, multiple submitters, no conflicts (2 of 4 stars). 3 submissions from 3 submitters: Pathogenic (2); Likely pathogenic (1). Last evaluated 2026-01-21.

Conditions:
YARS2-related disorder. Also called: YARS2-related condition.

Submissions (3):

Labcorp Genetics (formerly Invitae), Labcorp
Classification: Pathogenic. Last evaluated: 2026-01-21. Review status: criteria provided, single submitter. Criteria: Invitae Variant Classification Sherloc (09022015). Collection method: clinical testing. Allele origin: germline.
Comment: This sequence change creates a premature translational stop signal (p.Lys281Serfs*12) in the YARS2 gene. It is expected to result in an absent or disrupted protein product. Loss-of-function variants in YARS2 are known to be pathogenic (PMID: 20598274, 24344687, 25638461). This variant is present in population databases (rs768344665, gnomAD 0.3%). This variant has not been reported in the literature in individuals affected with YARS2-related conditions. ClinVar contains an entry for this variant (Variation ID: 423483). For these reasons, this variant has been classified as Pathogenic.

Blueprint Genetics
Classification: Likely pathogenic for YARS2-related disorders. Last evaluated: 2024-10-10. Review status: criteria provided, single submitter. Criteria: ACMG Guidelines, 2015. Collection method: clinical testing. Allele origin: germline. Affected: yes. Observed: 5 variant alleles.

GeneDx
Classification: Pathogenic. Last evaluated: 2017-12-07. Review status: criteria provided, single submitter. Criteria: GeneDx Variant Classification (06012015). Collection method: clinical testing. Allele origin: germline. Affected: yes.
Comment: The c.842delA variant in the YARS2 gene has not been reported previously as a pathogenic variant nor as a benign variant, to our knowledge. The c.842delA variant causes a frameshift starting with codon Lysine 281, changes this amino acid to a Serine residue, and creates a premature Stop codon at position 12 of the new reading frame, denoted p.Lys281SerfsX12. This variant is predicted to cause loss of normal protein function either through protein truncation or nonsense-mediated mRNA decay. The c.842delA variant was not observed in approximately 6500 individuals of European and African American ancestry in the NHLBI Exome Sequencing Project, indicating it is not a common benign variant in these populations. We interpret c.842delA as a pathogenic variant.

Literature cited by the submitters: PubMed 20598274 (cited by Labcorp Genetics (formerly Invitae), Labcorp); PubMed 24344687 (cited by Labcorp Genetics (formerly Invitae), Labcorp); PubMed 25638461 (cited by Labcorp Genetics (formerly Invitae), Labcorp).